The following is an entry in ClinVar:

NM_003482.4(KMT2D):c.15596_15597delinsGC (p.Phe5199Cys)

Gene: KMT2D (lysine methyltransferase 2D; minus strand). Cytogenetic location: 12q13.12.
Variant type: Indel.
Coding change: c.15596_15597delinsGC on transcript NM_003482.4 (MANE Select); coding-DNA positions 15596 to 15597, TT replaced by GC.
Protein change: p.Phe5199Cys; replaces phenylalanine 5199 with cysteine.
Molecular consequence: missense variant.
Genome position (GRCh38, 1-based): chr12:49,026,369-49,026,370, AA replaced by GC on the plus strand (TT replaced by GC on the coding strand, the reverse complement: KMT2D is on the minus strand). VCF-style: chr12-49026369-AA-GC. GRCh37 (hg19) VCF-style: chr12-49420152-AA-GC.
Other names: short protein forms F5199C.
Identifiers: ClinVar variation 1803762 (VCV001803762.1), dbSNP rs2499035633, ClinGen allele CA2580085702.
Genomic context (GRCh38, chr12:49,026,369, plus strand): 5'-GAGGCTCCAATAGATGCGCGTGGCCTCGTAGCCCACGGGATAGAGGGCAGTGGCACTATG[AA>GC]AGTCAGCCATCTGGTGAGGCAGCAGCTGTCCGATGGCGTGGAACACAAGGCCCCCCACAC-3'
Protein context (NP_003473.3, residues 5189-5209): GQLLPHQMAD[Phe5199Cys]HSATALYPVG

ClinVar aggregate classification (germline): Uncertain significance (1 of 4 stars; one submission).

Conditions:
Kabuki syndrome 1 (KABUK1). Also called: KMT2D-Related Kabuki Syndrome. Identifiers: Orphanet 2322, MedGen CN030661, MONDO:0007843, OMIM 147920.

Submission:

HudsonAlpha Institute for Biotechnology
Classification: Uncertain significance for Kabuki syndrome 1. Last evaluated: 2021-04-26. Review status: criteria provided, single submitter. Criteria: ACMG Guidelines, 2015. Collection method: research. Allele origin: maternal. Observed: 1 variant allele. Study: HudsonAlpha-AGHI-WGS.
Comment: ACMG codes:PM2, PP3